The following continues an entry in ClinVar:

NM_005912.3(MC4R):c.494G>A (p.Arg165Gln)

Gene: MC4R. ClinVar aggregate classification (germline): Pathogenic/Likely pathogenic. Pathogenic (6); Likely pathogenic (7).

Submissions 11 to 13 of 13:

Laboratory for Molecular Medicine, Mass General Brigham Personalized Medicine
Classification: Likely pathogenic for Obesity due to melanocortin 4 receptor deficiency. Last evaluated: 2018-09-26. Review status: criteria provided, single submitter. Criteria: ACMG Guidelines, 2015. Collection method: clinical testing. Allele origin: germline. Inheritance: Autosomal dominant inheritance.
Comment: The p.Arg165Gln variant in MC4R has been reported in >15 individuals with severe obesity and segregated with disease in one affected relative (Farooqi 2003, Ma 2004, Larsen 2005). This variant has been identified in 6/111582 of European chromosomes by the Genome Aggregation Database (gnomAD) and is reported in ClinVar (Variation ID: 327713). In vitro functional studies provide some evidence that the p.Arg165Gln variant may impact protein function (Nijenhuis 2003, Farooqi 2003, Larsen 2005, Xiang 2006, Thearle 2012); however, these types of assays may not accurately represent biological function. Computational prediction tools and conservation analysis suggest that the p.Arg165Gln variant may impact the protein, though this information is not predictive enough to determine pathogenicity. In summary, although additional studies are required to fully establish its clinical significance, the p.Arg165Gln variant is likely pathogenic. ACMG/AMP Criteria applied: PS4, PP3, PS3_Supporting, PM2_Supporting.

Illumina Laboratory Services, Illumina
Classification: Pathogenic for Inherited obesity. Last evaluated: 2017-04-28. Review status: criteria provided, single submitter. Criteria: ICSL Variant Classification Criteria 09 May 2019. Collection method: clinical testing. Allele origin: germline.
Comment: The MC4R c.494G>A (p.Arg165Gln) variant has been reported in at least four studies in a heterozygous state in a total of 18 individuals with severe early-onset obesity, severe obesity, or juvenile onset obesity (Farooqi et al. 2000; Farooqi et al. 2003; Ma et al. 2004; Larsen et al. 2005). In one family, the p.Arg165Gln variant was detected in both the affected father and affected son. The p.Arg165Gln variant was absent from 2,070 control alleles but is reported at a frequency of 0.00005 in the European (non-Finnish) population of the Exome Aggregation Consortium. In vitro functional studies demonstrated that the p.Arg165Gln variant was expressed but defective in trafficking to the cell surface and was retained intracellularly. The variant was also shown to have impaired ligand-stimulated ERK 1/2 activation, a partial cAMP response when stimulated with alpha-MSH, and to exhibit a 17-fold decrease in affinity to NDP-MSH as a result of a markedly reduced ligand binding capacity (Nijenhuis et al. 2003; Yeo et al. 2003; He et al. 2014). The Arg165 residue is conserved across thirty species (Staubert et al. 2007). Based on the evidence, the p.Arg165Gln variant is classified as pathogenic for obesity. This variant was observed by ICSL as part of a predisposition screen in an ostensibly healthy population.

Juno Genomics, Hangzhou Juno Genomics, Inc
Classification: Likely pathogenic for BODY MASS INDEX QUANTITATIVE TRAIT LOCUS 20. Review status: criteria provided, single submitter. Criteria: ACMG Guidelines, 2015. Collection method: clinical testing. Allele origin: germline.
Comment: Well-established in vitro or in vivo functional studies supportive of a damaging effect on the gene or gene product.;The prevalence of the variant in affected individuals is significantly increased compared to the prevalence in controls.;Absent from controls (or at extremely low frequency if recessive) in Genome Aggregation Database.

Literature cited by the submitters: PubMed 10903343 (cited by 4 submitters); PubMed 12646665 (cited by 5 submitters); PubMed 15486053 (cited by 5 submitters); PubMed 18835933 (cited by Labcorp Genetics (formerly Invitae), Labcorp); PubMed 33889637 (cited by Labcorp Genetics (formerly Invitae), Labcorp and Rady Children's Institute for Genomic Medicine, Rady Children's Hospital San Diego); PubMed 12588803 (cited by 4 submitters); PubMed 12690102 (cited by 5 submitters); PubMed 16752916 (cited by 3 submitters); PubMed 24276017 (cited by Labcorp Genetics (formerly Invitae), Labcorp); PubMed 31002796 (cited by Labcorp Genetics (formerly Invitae), Labcorp and Rady Children's Institute for Genomic Medicine, Rady Children's Hospital San Diego); PubMed 10903341 (cited by Labcorp Genetics (formerly Invitae), Labcorp and Rady Children's Institute for Genomic Medicine, Rady Children's Hospital San Diego); PubMed 26788538 (cited by Broad Center for Mendelian Genomics, Broad Institute of MIT and Harvard and Laboratory for Molecular Medicine, Mass General Brigham Personalized Medicine); PubMed 15448103 (cited by 3 submitters); PubMed 29861388 (cited by Broad Center for Mendelian Genomics, Broad Institute of MIT and Harvard); PubMed 20826565 (cited by Broad Center for Mendelian Genomics, Broad Institute of MIT and Harvard); PubMed 22106157 (cited by Laboratory for Molecular Medicine, Mass General Brigham Personalized Medicine); PubMed 25332687 (cited by Illumina Laboratory Services, Illumina); PubMed 17628007 (cited by Illumina Laboratory Services, Illumina).